The following is an entry in ClinVar:

NM_018489.3(ASH1L):c.5842C>T (p.Pro1948Ser)

Gene: ASH1L (ASH1 like histone lysine methyltransferase; minus strand). Cytogenetic location: 1q22.
Variant type: single nucleotide variant.
Coding change: c.5842C>T on transcript NM_018489.3 (MANE Select); coding-DNA position 5842, C replaced by T.
Protein change: p.Pro1948Ser; replaces proline 1948 with serine.
Molecular consequence: missense variant.
Genome position (GRCh38, 1-based): chr1:155,415,910, G>A on the plus strand (C>T on the coding strand, the complement: ASH1L is on the minus strand). VCF-style: chr1-155415910-G-A. GRCh37 (hg19) VCF-style: chr1-155385701-G-A.
Other names: c.5842C>T, p.Pro1948Ser (NM_001366177.2); short protein forms P1948S.
Identifiers: ClinVar variation 1705218 (VCV001705218.1), dbSNP rs1167654829, ClinGen allele CA342677272.
Genomic context (GRCh38, chr1:155,415,910, plus strand): 5'-AGGTACTTTCAGGTTCAGAAGGTTTAGCTGGGGTTTCAGAAGGACTGGGAATCTCAACTG[G>A]TGCTTCATTAAAGCTAGAAAGAGAAGTTTAAAGATAATTTTATTATGAAAAAAAAGTTTT-3'
Protein context (NP_060959.2, residues 1938-1958): QENNKSFNEA[Pro1948Ser]VEIPSPSETP

ClinVar aggregate classification (germline): Uncertain significance (1 of 4 stars; one submission).

Allele frequency attached by ClinVar (database versions not stated): gnomAD exomes below 0.00001; gnomAD 0.00001.
gnomAD v4.1: 3 of 1,561,844 alleles (0.00019%); highest among the groups gnomAD compares: Admixed American, 0.0059%; no homozygotes.

Submission:

Women's Health and Genetics/Laboratory Corporation of America, LabCorp
Classification: Uncertain significance. Last evaluated: 2022-08-26. Review status: criteria provided, single submitter. Criteria: LabCorp Variant Classification Summary - May 2015. Collection method: clinical testing. Allele origin: germline.
Comment: Variant summary: ASH1L c.5842C>T (p.Pro1948Ser) results in a non-conservative amino acid change in the encoded protein sequence. Four of five in-silico tools predict a benign effect of the variant on protein function. The variant was absent in 212134 control chromosomes (gnomAD). The available data on variant occurrences in the general population are insufficient to allow any conclusion about variant significance. To our knowledge, no occurrence of c.5842C>T in individuals affected with Intellectual Disability, Autosomal Dominant 52 and no experimental evidence demonstrating its impact on protein function have been reported. No clinical diagnostic laboratories have submitted clinical-significance assessments for this variant to ClinVar after 2014. Based on the evidence outlined above, the variant was classified as uncertain significance.